The following is an entry in ClinVar:

NM_032119.4(ADGRV1):c.7907A>G (p.Asp2636Gly)

Gene: ADGRV1 (adhesion G protein-coupled receptor V1; plus strand). Cytogenetic location: 5q14.3.
Variant type: single nucleotide variant.
Coding change: c.7907A>G on transcript NM_032119.4 (MANE Select); coding-DNA position 7907, A replaced by G.
Protein change: p.Asp2636Gly; replaces aspartic acid 2636 with glycine.
Molecular consequence: missense variant. On other transcripts: non-coding transcript variant (1).
Genome position (GRCh38, 1-based): chr5:90,694,663, A>G. VCF-style: chr5-90694663-A-G. GRCh37 (hg19) VCF-style: chr5-89990480-A-G.
Other names: short protein forms D2636G.
Identifiers: ClinVar variation 505360 (VCV000505360.12), dbSNP rs770468449, ClinGen allele CA3340110.

ClinVar aggregate classification (germline): Conflicting classifications of pathogenicity. Review status: criteria provided, conflicting classifications (1 of 4 stars). 3 submissions from 3 submitters: Uncertain significance (2); Likely benign (1). Last evaluated 2024-12-28.

Conditions:
Inborn genetic diseases. Identifiers: MedGen C0950123, MeSH D030342.

Allele frequency attached by ClinVar (database versions not stated): gnomAD exomes below 0.00001 and 0.00001; ExAC 0.00002; gnomAD 0.00003; TOPMed 0.00003.
gnomAD v4.1: 5 of 1,609,116 alleles (0.00031%); highest among the groups gnomAD compares: African/African-American, 0.0067%; no homozygotes.

Submissions (3):

Ambry Genetics
Classification: Uncertain significance for Inborn genetic diseases. Last evaluated: 2024-12-28. Review status: criteria provided, single submitter. Criteria: Ambry Variant Classification Scheme 2023. Collection method: clinical testing. Allele origin: germline.

Labcorp Genetics (formerly Invitae), Labcorp
Classification: Likely benign. Last evaluated: 2023-12-13. Review status: criteria provided, single submitter. Criteria: Invitae Variant Classification Sherloc (09022015). Collection method: clinical testing. Allele origin: germline.

Laboratory for Molecular Medicine, Mass General Brigham Personalized Medicine
Classification: Uncertain significance. Last evaluated: 2016-10-04. Review status: criteria provided, single submitter. Criteria: LMM Criteria. Collection method: clinical testing. Allele origin: germline. Observed: 1 variant allele.
Comment: The p.Asp2636Gly variant in GPR98 has not been previously reported in individual s with hearing loss, but has been identified in 2/9744 African chromosomes by th e Exome Aggregation Consortium (ExAC; dbSNP rs77 0468449). Although this variant has been seen in the general population, its fre quency is not high enough to rule out a pathogenic role. Computational predictio n tools and conservation analysis suggest that the p.Asp2636Gly variant may impa ct the protein, though this information is not predictive enough to determine pa thogenicity. In summary, the clinical significance of the p.Asp2636Gly variant i s uncertain.